The following is an entry in ClinVar:

NM_000302.4(PLOD1):c.1969C>T (p.His657Tyr)

Gene: PLOD1 (procollagen-lysine,2-oxoglutarate 5-dioxygenase 1; plus strand). Cytogenetic location: 1p36.22.
Variant type: single nucleotide variant.
Coding change: c.1969C>T on transcript NM_000302.4 (MANE Select); coding-DNA position 1969, C replaced by T.
Protein change: p.His657Tyr; replaces histidine 657 with tyrosine.
Molecular consequence: missense variant.
Genome position (GRCh38, 1-based): chr1:11,972,938, C>T. VCF-style: chr1-11972938-C-T. GRCh37 (hg19) VCF-style: chr1-12032995-C-T.
Other names: c.2110C>T, p.His704Tyr (NM_001316320.2); short protein forms H657Y, H704Y.
Identifiers: ClinVar variation 2564997 (VCV002564997.2), dbSNP rs2522881672, ClinGen allele CA338452387.

ClinVar aggregate classification (germline): Uncertain significance (1 of 4 stars; one submission).

Conditions:
Familial thoracic aortic aneurysm and aortic dissection (TAAD). Also called: Thoracic aortic aneurysms and dissections. Identifiers: Orphanet 91387, MedGen C4707243, MONDO:0019625.

Submission:

Ambry Genetics
Classification: Uncertain significance for Familial thoracic aortic aneurysm and aortic dissection. Last evaluated: 2023-03-31. Review status: criteria provided, single submitter. Criteria: Ambry Variant Classification Scheme 2023. Collection method: clinical testing. Allele origin: germline.
Comment: The p.H657Y variant (also known as c.1969C>T), located in coding exon 18 of the PLOD1 gene, results from a C to T substitution at nucleotide position 1969. The histidine at codon 657 is replaced by tyrosine, an amino acid with similar properties. This amino acid position is conserved. In addition, this alteration is predicted to be deleterious by in silico analysis. Since supporting evidence is limited at this time, the clinical significance of this alteration remains unclear.